The following is an entry in ClinVar:

NM_000827.4(GRIA1):c.1906G>A (p.Ala636Thr)

Gene: GRIA1 (glutamate ionotropic receptor AMPA type subunit 1; plus strand). Cytogenetic location: 5q33.2.
Variant type: single nucleotide variant.
Coding change: c.1906G>A on transcript NM_000827.4 (MANE Select); coding-DNA position 1906, G replaced by A.
Protein change: p.Ala636Thr; replaces alanine 636 with threonine.
Molecular consequence: missense variant. On other transcripts: non-coding transcript variant (2).
Genome position (GRCh38, 1-based): chr5:153,764,516, G>A. VCF-style: chr5-153764516-G-A. GRCh37 (hg19) VCF-style: chr5-153144076-G-A.
Other names: c.1906G>A, p.Ala636Thr (NM_001114183.2); c.1666G>A, p.Ala556Thr (NM_001258019.2); c.1621G>A, p.Ala541Thr (NM_001258020.2); c.1936G>A, p.Ala646Thr (NM_001258021.2, NM_001258022.2); c.1699G>A, p.Ala567Thr (NM_001258023.1, NM_001364167.2); c.1738G>A, p.Ala580Thr (NM_001364165.2); c.1933G>A, p.Ala645Thr (NM_001364166.2); short protein forms A636T, A556T, A645T, A646T, A541T, A567T, A580T.
Identifiers: ClinVar variation 39966 (VCV000039966.20), dbSNP rs587776937, ClinGen allele CA130665.
Genomic context (GRCh38, chr5:153,764,516, plus strand): 5'-GGTGGCGTCTGGTGGTTCTTCACCTTAATCATCATCTCCTCATATACAGCCAATCTGGCC[G>A]CCTTCCTGACCGTGGAGAGGATGGTGTCTCCCATTGAGAGTGCAGAGGACCTAGCGAAGC-3'
Protein context (NP_000818.2, residues 626-646): IISSYTANLA[Ala636Thr]FLTVERMVSP

ClinVar aggregate classification (germline): Pathogenic/Likely pathogenic. Review status: criteria provided, multiple submitters, no conflicts (2 of 4 stars). 13 submissions from 13 submitters: Pathogenic (8); Likely pathogenic (3). 2 of the submissions do not count toward it. Last evaluated 2026-07-09.

Conditions:
Intellectual developmental disorder, autosomal dominant 67 (MRD67). Also called: MENTAL RETARDATION, AUTOSOMAL DOMINANT 67. Identifiers: MedGen C5677006, MONDO:0030964, OMIM 619927.
Intellectual developmental disorder, autosomal recessive 76 (MRT76). Also called: MENTAL RETARDATION, AUTOSOMAL RECESSIVE 76. Identifiers: MedGen C5677007, MONDO:0030968, OMIM 619931.
GRIA1-related disorders.
Inborn genetic diseases. Identifiers: MedGen C0950123, MeSH D030342.
Intellectual disability. Also called: Intellectual functioning disability; Intellectual developmental disorder; intellectual disabilities. Identifiers: MedGen C3714756, MeSH D008607, MONDO:0001071, HP:0001249.

Submissions (13):

Ambry Genetics
Classification: Pathogenic for Inborn genetic diseases. Last evaluated: 2026-07-09. Review status: criteria provided, single submitter. Criteria: Ambry Variant Classification Scheme 2023. Collection method: clinical testing. Allele origin: germline.
Comment: The c.1906G>A (p.A636T) alteration is located in exon 12 (coding exon 12) of the GRIA1 gene. This alteration results from a G to A substitution at nucleotide position 1906, causing the alanine (A) at amino acid position 636 to be replaced by a threonine (T). This variant was not reported in population-based cohorts in the Genome Aggregation Database (gnomAD). This variant was reported in individual(s) with features consistent with GRIA1-related neurodevelopmental disorder; in at least one individual, it was determined to be de novo (de Ligt, 2012; De Rubeis, 2014; Geisheker, 2017; Ismail, 2022). This amino acid position is highly conserved in available vertebrate species. This missense variant is located in a region that has a low rate of benign missense variation (Lek, 2016; Firth, 2009). This alteration is predicted to be deleterious by in silico analysis. Based on the available evidence, this alteration is classified as pathogenic.

3billion
Classification: Pathogenic for Intellectual developmental disorder, autosomal dominant 67. Last evaluated: 2025-04-11. Review status: criteria provided, single submitter. Criteria: ACMG Guidelines, 2015. Collection method: clinical testing. Allele origin: germline. Affected: yes.
Comment: The variant is not observed in the gnomAD v4.1.0 dataset. Predicted Consequence/Location: Missense variant In silico tool predictions suggest damaging effect of the variant on gene or gene product [REVEL: 0.78 (>=0.6, sensitivity 0.68 and specificity 0.92); 3Cnet: 0.99 (> 0.75, sensitivity 0.96 and precision 0.92)]. The same nucleotide change resulting in the same amino acid change has been previously reported as pathogenic/likely pathogenic with strong evidence (ClinVar ID: VCV000039966 / PMID: 23033978). The variant has been previously reported as de novo in a similarly affected individual (PMID: 23033978). Therefore, this variant is classified as Pathogenic according to the recommendation of ACMG/AMP guideline.

Medgenome Labs Ltd
Classification: Pathogenic for Intellectual developmental disorder, autosomal dominant 67. Last evaluated: 2025-04-07. Review status: criteria provided, single submitter. Criteria: ACMG Guidelines, 2015. Collection method: clinical testing. Allele origin: de novo. Affected: yes.

Center of Human Genetics, Hôpital Erasme
Classification: Pathogenic for Intellectual developmental disorder, autosomal dominant 67. Last evaluated: 2025-01-01. Review status: criteria provided, single submitter. Criteria: ACMG Guidelines, 2015. Collection method: clinical testing. Allele origin: de novo. Affected: yes.

Blueprint Genetics
Classification: Pathogenic for GRIA1-related disorders. Last evaluated: 2024-10-24. Review status: criteria provided, single submitter. Criteria: ACMG Guidelines, 2015. Collection method: clinical testing. Allele origin: germline. Affected: yes. Observed: 1 variant allele.

Institute of Medical Genetics and Applied Genomics, University Hospital Tübingen
Classification: Likely pathogenic for Intellectual developmental disorder, autosomal dominant 67. Last evaluated: 2023-05-11. Review status: criteria provided, single submitter. Criteria: ACMG Guidelines, 2015. Collection method: clinical testing. Allele origin: germline. Inheritance: Autosomal dominant inheritance. Affected: yes.

Department of Human Genetics, Hannover Medical School
Classification: Pathogenic for Intellectual developmental disorder, autosomal dominant 67. Last evaluated: 2023-03-13. Review status: criteria provided, single submitter. Criteria: ACMG Guidelines, 2015. Collection method: clinical testing. Allele origin: germline. Inheritance: Autosomal dominant inheritance. Affected: yes.

Department of Genetics, Rouen University Hospital, Normandy Center for Genomic and Personalized Medicine
Classification: Pathogenic for Intellectual developmental disorder, autosomal dominant 67. Last evaluated: 2022-09-29. Review status: criteria provided, single submitter. Criteria: ACMG Guidelines, 2015. Collection method: clinical testing. Allele origin: de novo. Affected: yes.

GeneDx
Classification: Pathogenic. Last evaluated: 2022-08-16. Review status: criteria provided, single submitter. Criteria: GeneDx Variant Classification Process June 2021. Collection method: clinical testing. Allele origin: germline. Affected: yes.
Comment: Published functional studies demonstrate a damaging effect on channel desensitization (Taverna et al., 2000; Islail et al. 2022); Not observed at significant frequency in large population cohorts (gnomAD); In silico analysis supports that this missense variant has a deleterious effect on protein structure/function; This variant is associated with the following publications: (PMID: 23033978, 28628100, 28191890, 31587869, 29220673, 31300657, 31785789, 20089915, 35887114, 35409220, Murtaza2022[functionalstudy], 35675825, 20048760, 10722683, 28714951)

Clinical Genetics and Genomics, Karolinska University Hospital
Classification: Likely pathogenic. Last evaluated: 2016-06-29. Review status: criteria provided, single submitter. Criteria: ACMG Guidelines, 2015. Collection method: clinical testing. Allele origin: germline. Affected: yes. Observed: 1 variant allele.

Juno Genomics, Hangzhou Juno Genomics, Inc
Classification: Likely pathogenic for Intellectual developmental disorder, autosomal recessive 76; Intellectual developmental disorder, autosomal dominant 67. Review status: criteria provided, single submitter. Criteria: ACMG Guidelines, 2015. Collection method: clinical testing. Allele origin: germline. Affected: yes.
Comment: Absent from controls (or at extremely low frequency if recessive) in Genome Aggregation Database, Exome Sequencing Project, 1000 Genomes Project, or Exome Aggregation Consortium.;Multiple lines of computational evidence support a deleterious effect on the gene or gene product (conservation, evolutionary, splicing impact, etc).;Missense variant in a gene that has a low rate of benign missense variation and where missense variants are a common mechanism of disease.;The prevalence of the variant in affected individuals is significantly increased compared to the prevalence in controls.;Assumed de novo, but without confirmation of paternity and maternity.

Service de Biochimie Médicale et Biologie Moléculaire, CHU Clermont-Ferrand
Classification: Pathogenic for Intellectual disability. Last evaluated: 2021-05-17. Review status: no assertion criteria provided. Collection method: clinical testing. Allele origin: de novo. Inheritance: Autosomal dominant inheritance. Affected: yes. Observed: 1 variant allele, 1 heterozygote. Not counted in ClinVar's aggregate classification.
Comment: PS2 + PS3 + PM2 + PP3

OMIM
Classification: Pathogenic for INTELLECTUAL DEVELOPMENTAL DISORDER, AUTOSOMAL DOMINANT 67. Last evaluated: 2012-11-15. Review status: no assertion criteria provided. Collection method: literature only. Allele origin: germline. Not counted in ClinVar's aggregate classification.

Literature cited by the submitters: PubMed 23033978 (cited by 3 submitters); PubMed 25363760 (cited by Ambry Genetics and OMIM); PubMed 28628100 (cited by 3 submitters); PubMed 35675825 (cited by Ambry Genetics and OMIM).